The following is an entry in ClinVar:

ClinVar aggregate classification (germline): Pathogenic (1 of 4 stars; one submission).

Conditions:
Hereditary cancer-predisposing syndrome. Also called: Hereditary Cancer Syndrome; Neoplastic Syndromes, Hereditary; Tumor predisposition; Hereditary neoplastic syndrome. Identifiers: Orphanet 140162, MedGen C0027672, MeSH D009386, MONDO:0015356.

Submission:

Ambry Genetics
Classification: Pathogenic for Hereditary cancer-predisposing syndrome. Last evaluated: 2020-07-17. Review status: criteria provided, single submitter. Criteria: Ambry Variant Classification Scheme 2023. Collection method: clinical testing. Allele origin: germline.
Comment: The c.5231dupA pathogenic mutation, located in coding exon 34 of the ATM gene, results from a duplication of A at nucleotide position 5231, causing a translational frameshift with a predicted alternate stop codon (p.T1745Dfs*4). This alteration is expected to result in loss of function by premature protein truncation or nonsense-mediated mRNA decay. As such, this alteration is interpreted as a disease-causing mutation.

NM_000051.4(ATM):c.5231dup (p.Thr1745fs)

Gene: ATM (ATM serine/threonine kinase; plus strand). Cytogenetic location: 11q22.3.
Variant type: Duplication.
Coding change: c.5231dup on transcript NM_000051.4 (MANE Select); coding-DNA position 5231, one base duplicated (A; older notation c.5231dupA).
Protein change: p.Thr1745fs; shifts the reading frame from threonine 1745.
Molecular consequence: frameshift variant.
Genome position (GRCh38, 1-based): chr11:108,301,701, A duplicated; the last of 3 consecutive A bases (chr11:108,301,699-108,301,701); duplicating any one gives the same sequence. VCF-style (leftmost placement, unchanged base first): chr11-108301698-C-CA. GRCh37 (hg19) VCF-style: chr11-108172425-C-CA.
Other names: c.5231dup, p.Thr1745fs (NM_001351834.2); c.5231dupA (NM_000051.3); short protein forms T1745fs.
Identifiers: ClinVar variation 1746240 (VCV001746240.2), dbSNP rs2546973195, ClinGen allele CA2580083053.